The following is an entry in ClinVar:

NM_006790.3(MYOT):c.1111C>T (p.Gln371Ter)

Genes: MYOT (myotilin; plus strand), PKD2L2-DT (PKD2L2 divergent transcript; minus strand). Cytogenetic location: 5q31.2.
Variant type: single nucleotide variant.
Coding change: c.1111C>T on transcript NM_006790.3 (MANE Select); coding-DNA position 1111, C replaced by T.
Protein change: p.Gln371Ter; replaces glutamine 371 with a stop codon.
Molecular consequence: nonsense.
Genome position (GRCh38, 1-based): chr5:137,886,134, C>T. VCF-style: chr5-137886134-C-T. GRCh37 (hg19) VCF-style: chr5-137221823-C-T.
Other names: c.559C>T, p.Gln187Ter (NM_001135940.2); c.766C>T, p.Gln256Ter (NM_001300911.2); short protein forms Q187*, Q256*, Q371*.
Identifiers: ClinVar variation 4687901 (VCV004687901.1).

ClinVar aggregate classification (germline): Likely pathogenic (1 of 4 stars; one submission).

Conditions:
Myofibrillar myopathy 3 (MFM3). Also called: Autosomal dominant spheroid body myopathy; Muscular dystrophy, proximal, type 1A. Identifiers: Orphanet 266, Orphanet 268129, MedGen C3714934, MONDO:0012215, OMIM 609200.

Submission:

Human Genetics Bochum, Ruhr University Bochum
Classification: Likely pathogenic for Myofibrillar myopathy 3. Last evaluated: 2025-03-05. Review status: criteria provided, single submitter. Criteria: ACMG Guidelines, 2015. Collection method: clinical testing. Allele origin: germline. Affected: yes.
Comment: ACMG criteria used to clasify this variant: PVS1, PM2_SUP